The following is an entry in ClinVar:

ClinVar aggregate classification (germline): Uncertain significance. Review status: criteria provided, multiple submitters, no conflicts (2 of 4 stars). 4 submissions from 4 submitters: Uncertain significance (4). Last evaluated 2026-01-26.

Conditions:
Hereditary cancer-predisposing syndrome. Also called: Tumor predisposition; Hereditary Cancer Syndrome; Hereditary neoplastic syndrome; Neoplastic Syndromes, Hereditary. Identifiers: Orphanet 140162, MedGen C0027672, MeSH D009386, MONDO:0015356.
Familial adenomatous polyposis 1 (FAP1). Also called: FAMILIAL ADENOMATOUS POLYPOSIS 1, ATTENUATED; POLYPOSIS, ADENOMATOUS INTESTINAL. Identifiers: MedGen C2713442, MONDO:0021056, OMIM 175100. Disease mechanism: loss of function.

Allele frequency attached by ClinVar (database versions not stated): gnomAD exomes below 0.00001; ExAC 0.00001.

Submissions (4):

Labcorp Genetics (formerly Invitae), Labcorp
Classification: Uncertain significance for Familial adenomatous polyposis 1. Last evaluated: 2026-01-26. Review status: criteria provided, single submitter. Criteria: Invitae Variant Classification Sherloc (09022015). Collection method: clinical testing. Allele origin: germline.
Comment: This sequence change replaces histidine, which is basic and polar, with tyrosine, which is neutral and polar, at codon 898 of the APC protein (p.His898Tyr). This variant is present in population databases (rs758712508, gnomAD 0.003%). This variant has not been reported in the literature in individuals affected with APC-related conditions. ClinVar contains an entry for this variant (Variation ID: 411341). Invitae Evidence Modeling of protein sequence and biophysical properties (such as structural, functional, and spatial information, amino acid conservation, physicochemical variation, residue mobility, and thermodynamic stability) indicates that this missense variant is not expected to disrupt APC protein function with a negative predictive value of 95%. In summary, the available evidence is currently insufficient to determine the role of this variant in disease. Therefore, it has been classified as a Variant of Uncertain Significance.

Ambry Genetics
Classification: Uncertain significance for Hereditary cancer-predisposing syndrome. Last evaluated: 2025-02-06. Review status: criteria provided, single submitter. Criteria: Ambry Variant Classification Scheme 2023. Collection method: clinical testing. Allele origin: germline.
Comment: The p.H898Y variant (also known as c.2692C>T), located in coding exon 15 of the APC gene, results from a C to T substitution at nucleotide position 2692. The histidine at codon 898 is replaced by tyrosine, an amino acid with similar properties. This amino acid position is highly conserved in available vertebrate species. In addition, in silico predictors for this gene do not accurately predict pathogenicity. Missense alterations in APC are not a common cause of disease (Spier I et al. Genet Med. 2024 Feb;26(2):100992). Based on the available evidence, the clinical significance of this variant remains unclear.

Color Diagnostics, LLC DBA Color Health
Classification: Uncertain significance for Hereditary cancer-predisposing syndrome. Last evaluated: 2024-05-13. Review status: criteria provided, single submitter. Criteria: ACMG Guidelines, 2015. Collection method: clinical testing. Allele origin: germline.
Comment: This missense variant replaces histidine with tyrosine at codon 898 of the APC protein. Computational prediction is inconclusive regarding the impact of this variant on protein structure and function (internally defined REVEL score threshold 0.5 < inconclusive < 0.7, PMID: 27666373). To our knowledge, functional studies have not been reported for this variant. This variant has not been reported in individuals affected with APC-related disorders in the literature. This variant has been identified in 1/250892 chromosomes in the general population by the Genome Aggregation Database (gnomAD). The available evidence is insufficient to determine the role of this variant in disease conclusively. Therefore, this variant is classified as a Variant of Uncertain Significance.

Mendelics
Classification: Uncertain significance. Last evaluated: 2022-05-04. Review status: criteria provided, single submitter. Criteria: Mendelics Assertion Criteria 2019. Collection method: clinical testing. Allele origin: germline.

NM_000038.6(APC):c.2692C>T (p.His898Tyr)

Gene: APC (APC regulator of Wnt signaling pathway; plus strand). Cytogenetic location: 5q22.2.
Variant type: single nucleotide variant.
Coding change: c.2692C>T on transcript NM_000038.6 (MANE Select); coding-DNA position 2692, C replaced by T.
Protein change: p.His898Tyr; replaces histidine 898 with tyrosine.
Molecular consequence: missense variant.
Genome position (GRCh38, 1-based): chr5:112,838,286, C>T. VCF-style: chr5-112838286-C-T. GRCh37 (hg19) VCF-style: chr5-112173983-C-T.
Other names: c.2692C>T, p.His898Tyr (NM_001127510.3, NM_001354895.2); c.2638C>T, p.His880Tyr (NM_001127511.3); c.2746C>T, p.His916Tyr (NM_001354896.2); c.2722C>T, p.His908Tyr (NM_001354897.2); c.2617C>T, p.His873Tyr (NM_001354898.2); c.2608C>T, p.His870Tyr (NM_001354899.2); c.2569C>T, p.His857Tyr (NM_001354900.2); c.2515C>T, p.His839Tyr (NM_001354901.2); and 5 more; short protein forms H880Y, H898Y, H738Y, H615Y, H857Y, H870Y, H873Y, H908Y.
Identifiers: ClinVar variation 411341 (VCV000411341.61), dbSNP rs758712508, ClinGen allele CA033048.